The following is an entry in ClinVar:

ClinVar aggregate classification (germline): Benign (1 of 4 stars; one submission).

Conditions:
Tay-Sachs disease, variant AB. Also called: GM2 Activator Deficiency; Gm2-gangliosidosis, ab variant. Identifiers: Orphanet 309246, MedGen C0268275, MONDO:0010099, OMIM 272750.

Allele frequency attached by ClinVar (database versions not stated): gnomAD exomes 0.00307; gnomAD 0.02537 and 0.02697; TOPMed 0.02881; 1000 Genomes Project 0.03494; 1000 Genomes Project 30x 0.03623.
gnomAD v4.1: 4,869 of 462,920 alleles (1.1%); highest among the groups gnomAD compares: African/African-American, 8.4%; 191 homozygotes.

Submission:

Illumina Laboratory Services, Illumina
Classification: Benign for Tay-Sachs disease, variant AB. Last evaluated: 2018-01-12. Review status: criteria provided, single submitter. Criteria: ICSL Variant Classification Criteria 13 December 2019. Collection method: clinical testing. Allele origin: germline.
Comment: This variant was observed in the ICSL laboratory as part of a predisposition screen in an ostensibly healthy population. It had not been previously curated by ICSL or reported in the Human Gene Mutation Database (HGMD: prior to June 1st, 2018), and was therefore a candidate for classification through an automated scoring system. Utilizing variant allele frequency, disease prevalence and penetrance estimates, and inheritance mode, an automated score was calculated to assess if this variant is too frequent to cause the disease. Based on the score and internal cut-off values, a variant classified as benign is not then subjected to further curation. The score for this variant resulted in a classification of benign for this disease.

NM_000405.5(GM2A):c.*2801A>G

Gene: GM2A (ganglioside GM2 activator; plus strand). Cytogenetic location: 5q33.1.
Variant type: single nucleotide variant.
Coding change: c.*2801A>G on transcript NM_000405.5 (MANE Select); 2801 bases downstream of the stop codon, A replaced by G.
Molecular consequence: 3 prime UTR variant.
Genome position (GRCh38, 1-based): chr5:151,270,252, A>G. VCF-style: chr5-151270252-A-G. GRCh37 (hg19) VCF-style: chr5-150649813-A-G.
Other names: c.*2612A>G (NM_001167607.3).
Identifiers: ClinVar variation 352302 (VCV000352302.5), dbSNP rs111935946, ClinGen allele CA10623825.